The following is an entry in ClinVar:

ClinVar aggregate classification (germline): Uncertain significance (1 of 4 stars; one submission).

Conditions:
Hereditary cancer-predisposing syndrome. Also called: Hereditary Cancer Syndrome; Tumor predisposition; Hereditary neoplastic syndrome; Neoplastic Syndromes, Hereditary. Identifiers: Orphanet 140162, MedGen C0027672, MeSH D009386, MONDO:0015356.

Submission:

Labcorp Genetics (formerly Invitae), Labcorp
Classification: Uncertain significance for Hereditary cancer-predisposing syndrome. Last evaluated: 2020-10-05. Review status: criteria provided, single submitter. Criteria: Invitae Variant Classification Sherloc (09022015). Collection method: clinical testing. Allele origin: germline.
Comment: Algorithms developed to predict the effect of missense changes on protein structure and function (SIFT, PolyPhen-2, Align-GVGD) all suggest that this variant is likely to be tolerated, but these predictions have not been confirmed by published functional studies and their clinical significance is uncertain. This sequence change replaces glutamic acid with glycine at codon 526 of the RAD50 protein (p.Glu526Gly). The glutamic acid residue is moderately conserved and there is a moderate physicochemical difference between glutamic acid and glycine. This variant is not present in population databases (ExAC no frequency). This variant has not been reported in the literature in individuals with RAD50-related conditions. In summary, the available evidence is currently insufficient to determine the role of this variant in disease. Therefore, it has been classified as a Variant of Uncertain Significance.

NM_005732.4(RAD50):c.1577A>G (p.Glu526Gly)

Gene: RAD50 (RAD50 double strand break repair protein; plus strand). Cytogenetic location: 5q31.1.
Variant type: single nucleotide variant.
Coding change: c.1577A>G on transcript NM_005732.4 (MANE Select); coding-DNA position 1577, A replaced by G.
Protein change: p.Glu526Gly; replaces glutamic acid 526 with glycine.
Molecular consequence: missense variant.
Genome position (GRCh38, 1-based): chr5:132,591,348, A>G. VCF-style: chr5-132591348-A-G. GRCh37 (hg19) VCF-style: chr5-131927040-A-G.
Other names: short protein forms E526G.
Identifiers: ClinVar variation 1041712 (VCV001041712.9), dbSNP rs1580994440, ClinGen allele CA360945985.
Genomic context (GRCh38, chr5:132,591,348, plus strand): 5'-GTCTCCAAAATGAAAAAGCAGACTTAGACAGGACCCTGCGTAAACTTGACCAGGAGATGG[A>G]GCAGTTAAACCATCATACAACAACACGTACCCAAATGGAGATGCTGACCAAAGACAAAGT-3'
Protein context (NP_005723.2, residues 516-536): RTLRKLDQEM[Glu526Gly]QLNHHTTTRT